The following is an entry in ClinVar:

NM_005219.5(DIAPH1):c.3772C>T (p.Pro1258Ser)

Gene: DIAPH1 (diaphanous related formin 1; minus strand). Cytogenetic location: 5q31.3.
Variant type: single nucleotide variant.
Coding change: c.3772C>T on transcript NM_005219.5 (MANE Select); coding-DNA position 3772, C replaced by T.
Protein change: p.Pro1258Ser; replaces proline 1258 with serine.
Molecular consequence: missense variant. On other transcripts: 3 prime UTR variant (1).
Genome position (GRCh38, 1-based): chr5:141,516,898, G>A on the plus strand (C>T on the coding strand, the complement: DIAPH1 is on the minus strand). VCF-style: chr5-141516898-G-A. GRCh37 (hg19) VCF-style: chr5-140896465-G-A.
Other names: c.3745C>T, p.Pro1249Ser (NM_001079812.3); c.*72C>T (NM_001314007.2); short protein forms P1249S, P1258S.
Identifiers: ClinVar variation 1518689 (VCV001518689.6), dbSNP rs751282493, ClinGen allele CA361571938.

ClinVar aggregate classification (germline): Uncertain significance (1 of 4 stars; one submission).

Conditions:
Autosomal dominant nonsyndromic hearing loss 1. Also called: KONIGSMARK SYNDROME; DEAFNESS, AUTOSOMAL DOMINANT 1, WITH OR WITHOUT THROMBOCYTOPENIA. Identifiers: Orphanet 90635, MedGen C1852282, MONDO:0007424, OMIM 124900.
Progressive microcephaly-seizures-cortical blindness-developmental delay syndrome. Also called: Seizures, cortical blindness, and microcephaly syndrome. Identifiers: Orphanet 477814, MedGen C5567650, MONDO:0014714, OMIM 616632.

gnomAD v4.1: 2 of 1,614,202 alleles (0.00012%); highest among the groups gnomAD compares: African/African-American, 0.0027%; no homozygotes.

Submission:

Labcorp Genetics (formerly Invitae), Labcorp
Classification: Uncertain significance for Progressive microcephaly-seizures-cortical blindness-developmental delay syndrome; Autosomal dominant nonsyndromic hearing loss 1. Last evaluated: 2022-08-09. Review status: criteria provided, single submitter. Criteria: Invitae Variant Classification Sherloc (09022015). Collection method: clinical testing. Allele origin: germline.
Comment: In summary, the available evidence is currently insufficient to determine the role of this variant in disease. Therefore, it has been classified as a Variant of Uncertain Significance. Algorithms developed to predict the effect of missense changes on protein structure and function output the following: SIFT: "Tolerated"; PolyPhen-2: "Benign"; Align-GVGD: "Class C0". The serine amino acid residue is found in multiple mammalian species, which suggests that this missense change does not adversely affect protein function. ClinVar contains an entry for this variant (Variation ID: 1518689). This variant has not been reported in the literature in individuals affected with DIAPH1-related conditions. This variant is not present in population databases (gnomAD no frequency). This sequence change replaces proline, which is neutral and non-polar, with serine, which is neutral and polar, at codon 1258 of the DIAPH1 protein (p.Pro1258Ser).